The following is an entry in ClinVar:

NM_181426.2(CCDC39):c.1969G>A (p.Glu657Lys)

Gene: CCDC39 (coiled-coil domain 39 molecular ruler complex subunit; minus strand). Cytogenetic location: 3q26.33.
Variant type: single nucleotide variant.
Coding change: c.1969G>A on transcript NM_181426.2 (MANE Select); coding-DNA position 1969, G replaced by A.
Protein change: p.Glu657Lys; replaces glutamic acid 657 with lysine.
Molecular consequence: missense variant.
Genome position (GRCh38, 1-based): chr3:180,631,498, C>T on the plus strand (G>A on the coding strand, the complement: CCDC39 is on the minus strand). VCF-style: chr3-180631498-C-T. GRCh37 (hg19) VCF-style: chr3-180349286-C-T.
Other names: c.1969G>A (NM_181426.1); short protein forms E657K.
Identifiers: ClinVar variation 1026730 (VCV001026730.8), dbSNP rs200459402, ClinGen allele CA2715816.
Genomic context (GRCh38, chr3:180,631,498, plus strand): 5'-ACCATCACAACTGTGAATCAATTAAAATTACCTTTATTACATAATAGGCCTGTGTTTTCT[C>T]CTCTTCTCCTTCAGGAGGCAGCATAACAACAGTCAGAATTTCATATCTATTCTTCAGCTT-3'
Protein context (NP_852091.1, residues 647-667): VVMLPPEGEE[Glu657Lys]KTQAYYVIKA

ClinVar aggregate classification (germline): Conflicting classifications of pathogenicity. Review status: criteria provided, conflicting classifications (1 of 4 stars). 3 submissions from 3 submitters: Uncertain significance (2); Likely benign (1). Last evaluated 2023-08-30.

Conditions:
Primary ciliary dyskinesia. Also called: Ciliary dyskinesia. Identifiers: Orphanet 244, MedGen C0008780, MONDO:0016575, HP:0012265.
Primary ciliary dyskinesia 14. Also called: CILIARY DYSKINESIA, PRIMARY, 14, WITH OR WITHOUT SITUS INVERSUS. Identifiers: Orphanet 244, MedGen C3151136, MONDO:0013434, OMIM 613807.

Allele frequency attached by ClinVar (database versions not stated): gnomAD exomes 0.00003 and 0.00007; ExAC 0.00008; ESP Exome Variant Server 0.00042; gnomAD 0.00046 and 0.00051; TOPMed 0.00057.

Submissions (3):

ARUP Laboratories, Molecular Genetics and Genomics, ARUP Laboratories
Classification: Uncertain significance for Primary ciliary dyskinesia 14. Last evaluated: 2023-08-30. Review status: criteria provided, single submitter. Criteria: ARUP Molecular Germline Variant Investigation Process 2024. Collection method: clinical testing. Allele origin: germline.
Comment: The CCDC39 c.1969G>A;p.Glu657Lys variant (rs200459402), to our knowledge, is not reported in the medical literature but is reported in ClinVar (Variation ID: 1026730). This variant is found in the African/African-American population with an allele frequency of 0.1% (26/24,122 alleles) in the Genome Aggregation Database. Computational analyses are uncertain whether this variant is neutral or deleterious (REVEL: 0.458). While the high population frequency suggests that this is likely a benign variant, given the lack of clinical and functional data, the significance of this variant is uncertain at this time.

Ambry Genetics
Classification: Likely benign for Primary ciliary dyskinesia. Last evaluated: 2023-06-22. Review status: criteria provided, single submitter. Criteria: Ambry Variant Classification Scheme 2023. Collection method: clinical testing. Allele origin: germline.

Labcorp Genetics (formerly Invitae), Labcorp
Classification: Uncertain significance for Primary ciliary dyskinesia. Last evaluated: 2022-05-08. Review status: criteria provided, single submitter. Criteria: Invitae Variant Classification Sherloc (09022015). Collection method: clinical testing. Allele origin: germline.
Comment: This sequence change replaces glutamic acid, which is acidic and polar, with lysine, which is basic and polar, at codon 657 of the CCDC39 protein (p.Glu657Lys). This variant is present in population databases (rs200459402, gnomAD 0.1%). This variant has not been reported in the literature in individuals affected with CCDC39-related conditions. ClinVar contains an entry for this variant (Variation ID: 1026730). Algorithms developed to predict the effect of missense changes on protein structure and function are either unavailable or do not agree on the potential impact of this missense change (SIFT: "Tolerated"; PolyPhen-2: "Possibly Damaging"; Align-GVGD: "Class C0"). In summary, the available evidence is currently insufficient to determine the role of this variant in disease. Therefore, it has been classified as a Variant of Uncertain Significance.